The following is an entry in ClinVar:

NM_001040142.2(SCN2A):c.5251G>T (p.Val1751Phe)

Gene: SCN2A (sodium voltage-gated channel alpha subunit 2; plus strand). Cytogenetic location: 2q24.3.
Variant type: single nucleotide variant.
Coding change: c.5251G>T on transcript NM_001040142.2 (MANE Select); coding-DNA position 5251, G replaced by T.
Protein change: p.Val1751Phe; replaces valine 1751 with phenylalanine.
Molecular consequence: missense variant.
Genome position (GRCh38, 1-based): chr2:165,389,057, G>T. VCF-style: chr2-165389057-G-T. GRCh37 (hg19) VCF-style: chr2-166245567-G-T.
Other names: c.5251G>T, p.Val1751Phe (NM_001040143.2, NM_001371246.1, NM_001371247.1 and 1 more transcripts); short protein forms V1751F.
Identifiers: ClinVar variation 1746372 (VCV001746372.2), dbSNP rs2468158711, ClinGen allele CA349038547.

ClinVar aggregate classification (germline): Uncertain significance (1 of 4 stars; one submission).

Conditions:
Inborn genetic diseases. Identifiers: MedGen C0950123, MeSH D030342.

Submission:

Ambry Genetics
Classification: Uncertain significance for Inborn genetic diseases. Last evaluated: 2019-11-21. Review status: criteria provided, single submitter. Criteria: Ambry Variant Classification Scheme 2023. Collection method: clinical testing. Allele origin: germline.
Comment: The p.V1751F variant (also known as c.5251G>T), located in coding exon 26 of the SCN2A gene, results from a G to T substitution at nucleotide position 5251. The valine at codon 1751 is replaced by phenylalanine, an amino acid with highly similar properties. This amino acid position is highly conserved in available vertebrate species. In addition, this alteration is predicted to be deleterious by in silico analysis. Since supporting evidence is limited at this time, the clinical significance of this alteration remains unclear.